The following is an entry in ClinVar:

NM_006796.3(AFG3L2):c.1270C>T (p.Gln424Ter)

Gene: AFG3L2 (AFG3 like matrix AAA peptidase subunit 2; minus strand). Cytogenetic location: 18p11.21.
Variant type: single nucleotide variant.
Coding change: c.1270C>T on transcript NM_006796.3 (MANE Select); coding-DNA position 1270, C replaced by T.
Protein change: p.Gln424Ter; replaces glutamine 424 with a stop codon.
Molecular consequence: nonsense.
Genome position (GRCh38, 1-based): chr18:12,353,053, G>A on the plus strand (C>T on the coding strand, the complement: AFG3L2 is on the minus strand). VCF-style: chr18-12353053-G-A. GRCh37 (hg19) VCF-style: chr18-12353052-G-A.
Other names: short protein forms Q424*.
Identifiers: ClinVar variation 2583175 (VCV002583175.1), dbSNP rs2143171389, ClinGen allele CA401952819.

ClinVar aggregate classification (germline): Likely pathogenic (1 of 4 stars; one submission).

Conditions:
Optic atrophy 12. Also called: Optic Atrophy Type 12 (OPA12). Identifiers: MedGen C5436534, MONDO:0033549, OMIM 618977.

Submission:

Diagnostics Services (NGS), CSIR - Centre For Cellular And Molecular Biology
Classification: Likely pathogenic for Optic atrophy 12. Last evaluated: 2023-09-06. Review status: criteria provided, single submitter. Criteria: ACMG Guidelines, 2015. Collection method: clinical testing. Allele origin: unknown. Affected: yes. Observed: 1 variant allele, 1 heterozygote.
Comment: The c.1270C>T variant is not present in 1000 Genomes, EVS, ExAC, gnomAD, Indian Exome Database or our in-house exome database. This variant has not been reported in the literature in individuals affected with AFG3L2-related conditions nor reported to clinical databases like ClinVar, HGMD or OMIM, in any affected individuals. In-silico pathogenicity programs like MutationTaster2, CADD, Varsome, Franklin, InterVar etc predicted this variant to be likely deleterious. This variant creates a premature translational stop signal at the 424th amino acid position of the transcript that may either result in translation of a truncated protein or cause nonsense mediated decay of the mRNA.